The following is an entry in ClinVar:

ClinVar aggregate classification (germline): Conflicting classifications of pathogenicity. Review status: criteria provided, conflicting classifications (1 of 4 stars). 2 submissions from 2 submitters: Uncertain significance (1); Likely benign (1). Last evaluated 2025-04-29.

Conditions:
SLC39A5-related disorder. Also called: SLC39A5-related condition.

Submissions (2):

PreventionGenetics, part of Exact Sciences
Classification: Uncertain significance for SLC39A5-related condition. Last evaluated: 2025-04-29. Review status: criteria provided, single submitter. Criteria: ACMG Guidelines, 2015. Collection method: clinical testing. Allele origin: germline.
Comment: The SLC39A5 c.645G>C variant is predicted to result in the amino acid substitution p.Gln215His. To our knowledge, this variant has not been reported in the literature. This variant is present in 0.041% of alleles in individuals of African descent in gnomAD. At this time, the clinical significance of this variant is uncertain due to the absence of conclusive functional and genetic evidence.

Ambry Genetics
Classification: Likely benign. Last evaluated: 2025-04-20. Review status: criteria provided, single submitter. Criteria: Ambry Variant Classification Scheme 2023. Collection method: clinical testing. Allele origin: germline.

NM_173596.3(SLC39A5):c.645G>C (p.Gln215His)

Gene: SLC39A5 (solute carrier family 39 member 5; plus strand). Cytogenetic location: 12q13.3.
Variant type: single nucleotide variant.
Coding change: c.645G>C on transcript NM_173596.3 (MANE Select); coding-DNA position 645, G replaced by C.
Protein change: p.Gln215His; replaces glutamine 215 with histidine.
Molecular consequence: missense variant.
Genome position (GRCh38, 1-based): chr12:56,235,167, G>C. VCF-style: chr12-56235167-G-C. GRCh37 (hg19) VCF-style: chr12-56628951-G-C.
Other names: c.645G>C, p.Gln215His (NM_001135195.2); short protein forms Q215H.
Identifiers: ClinVar variation 3956888 (VCV003956888.2).
Genomic context (GRCh38, chr12:56,235,167, plus strand): 5'-TGGGACCCTCCTCTTGCCCTGACCTAACTTCAGCCCCTGATTCTCCCCAGCCCTGCTTCA[G>C]AGTGCCCTGGCAGTCCTGTTGCTCAGCCTCCCTTCTCCCCTATCCCTGCTGCTGCTGCGG-3'
Protein context (NP_775867.2, residues 205-225): PPGDLLSALL[Gln215His]SALAVLLLSL